The following is an entry in ClinVar:

ClinVar aggregate classification (germline): Pathogenic (1 of 4 stars; one submission).

Conditions:
Autosomal recessive limb-girdle muscular dystrophy type 2L (LGMDR12). Also called: Limb-girdle muscular dystrophy, type 2L; Limb-Girdle Muscular Dystrophy R12 Anoctamin-5-Related (LGMD-R12); MUSCULAR DYSTROPHY, LIMB-GIRDLE, AUTOSOMAL RECESSIVE 12. Identifiers: Orphanet 206549, MedGen C1969785, MONDO:0012652, OMIM 611307.
Gnathodiaphyseal dysplasia (GDD). Also called: GNATHODIAPHYSEAL SCLEROSIS; OSTEOGENESIS IMPERFECTA WITH UNUSUAL SKELETAL LESIONS. Identifiers: Orphanet 53697, MedGen C1833736, MONDO:0008151, OMIM 166260.

Allele frequency attached by ClinVar (database versions not stated): TOPMed below 0.00001.

Submission:

Labcorp Genetics (formerly Invitae), Labcorp
Classification: Pathogenic for Autosomal recessive limb-girdle muscular dystrophy type 2L; Gnathodiaphyseal dysplasia. Last evaluated: 2024-10-30. Review status: criteria provided, single submitter. Criteria: Invitae Variant Classification Sherloc (09022015). Collection method: clinical testing. Allele origin: germline.
Comment: This sequence change creates a premature translational stop signal (p.Lys259*) in the ANO5 gene. It is expected to result in an absent or disrupted protein product. Loss-of-function variants in ANO5 are known to be pathogenic (PMID: 21186264, 23606453, 25891276, 30919934). This variant is not present in population databases (gnomAD no frequency). This variant has not been reported in the literature in individuals affected with ANO5-related conditions. ClinVar contains an entry for this variant (Variation ID: 650336). Algorithms developed to predict the effect of sequence changes on RNA splicing suggest that this variant may disrupt the consensus splice site. For these reasons, this variant has been classified as Pathogenic.

Literature cited by the submitters: PubMed 21186264; PubMed 23606453; PubMed 25891276; PubMed 30919934.

NM_213599.3(ANO5):c.775A>T (p.Lys259Ter)

Gene: ANO5 (anoctamin 5; plus strand). Cytogenetic location: 11p14.3.
Variant type: single nucleotide variant.
Coding change: c.775A>T on transcript NM_213599.3 (MANE Select); coding-DNA position 775, A replaced by T.
Protein change: p.Lys259Ter; replaces lysine 259 with a stop codon.
Molecular consequence: nonsense.
Genome position (GRCh38, 1-based): chr11:22,239,581, A>T. VCF-style: chr11-22239581-A-T. GRCh37 (hg19) VCF-style: chr11-22261127-A-T.
Other names: c.772A>T, p.Lys258Ter (NM_001142649.2); short protein forms K258*, K259*.
Identifiers: ClinVar variation 650336 (VCV000650336.9), dbSNP rs1590266227, ClinGen allele CA379920393.